The following is an entry in ClinVar:

NM_001370259.2(MEN1):c.784-13C>T

Gene: MEN1 (menin 1; minus strand). Cytogenetic location: 11q13.1.
Variant type: single nucleotide variant.
Coding change: c.784-13C>T on transcript NM_001370259.2 (MANE Select); 13 bases into the intron before coding-DNA position 784, C replaced by T.
Molecular consequence: intron variant.
Genome position (GRCh38, 1-based): chr11:64,807,232, G>A on the plus strand (C>T on the coding strand, the complement: MEN1 is on the minus strand). VCF-style: chr11-64807232-G-A. GRCh37 (hg19) VCF-style: chr11-64574704-G-A.
Other names: c.799-13C>T (NM_130804.3, NM_130803.3, NM_000244.4 and 5 more transcripts); c.679-13C>T (NM_001407148.1, NM_001407149.1, NM_001407151.1 and 2 more transcripts); c.784-13C>T (NM_130799.3, NM_001407144.1, NM_001370260.2 and 7 more transcripts).
Identifiers: ClinVar variation 3773365 (VCV003773365.1).

ClinVar aggregate classification (germline): Likely benign (1 of 4 stars; one submission).

Conditions:
Multiple endocrine neoplasia, type 1 (MEN1). Also called: MEN I; WERMER SYNDROME; Endocrine adenomatosis multiple; MEN 1; MEA I. Identifiers: Orphanet 652, MedGen C0025267, MeSH D018761, MONDO:0007540, OMIM 131100.

gnomAD v4.1: 1 of 1,612,342 alleles (0.000062%); highest among the groups gnomAD compares: South Asian, 0.0011%; no homozygotes.

Submission:

Myriad Genetics, Inc.
Classification: Likely benign for Multiple endocrine neoplasia, type 1. Last evaluated: 2024-11-01. Review status: criteria provided, single submitter. Criteria: Myriad Autosomal Dominant, Autosomal Recessive and X-Linked Classification Criteria (2023). Collection method: clinical testing. Allele origin: unknown.
Comment: This variant is considered likely benign. This variant is intronic and is not expected to impact mRNA splicing.